The following is an entry in ClinVar:

NM_001048174.2(MUTYH):c.281_295del (p.Asp94_Arg98del)

Gene: MUTYH (mutY DNA glycosylase; minus strand). Cytogenetic location: 1p34.1.
Variant type: Deletion.
Coding change: c.281_295del on transcript NM_001048174.2 (MANE Select); coding-DNA positions 281 to 295, 15 bases deleted (ACCTGGACAGGCGGG).
Protein change: p.Asp94_Arg98del.
Molecular consequence: inframe deletion. On other transcripts: initiator codon variant (3), non-coding transcript variant (7).
Genome position (GRCh38, 1-based): chr1:45,333,294-45,333,308, CCCGCCTGTCCAGGT deleted on the plus strand (ACCTGGACAGGCGGG on the coding strand, the reverse complement: MUTYH is on the minus strand); deleting any 15 consecutive bases within chr1:45,333,294-45,333,310 gives the same sequence; the c. name uses the placement nearest the transcript's 3' end. VCF-style (leftmost placement, unchanged base first): chr1-45333293-GCCCGCCTGTCCAGGT-G. GRCh37 (hg19) VCF-style: chr1-45798965-GCCCGCCTGTCCAGGT-G.
Other names: c.281_295del, p.Asp94_Arg98del (NM_001048171.2, NM_001048173.2, NM_001293195.2 and 6 more transcripts); c.284_298del, p.Asp95_Arg99del (NM_001048172.2, NM_001407071.1, NM_001407078.1 and 2 more transcripts); c.365_379del, p.Asp122_Arg126del (NM_001128425.2); c.326_340del, p.Asp109_Arg113del (NM_001293190.2); c.314_328del, p.Asp105_Arg109del (NM_001293191.2, NM_001407077.1); c.5_19del, p.Asp2_Arg6del (NM_001293192.2, NM_001293196.2, NM_001407091.1); c.10_24del, p.Thr4_Gly8del (NM_001350650.2, NM_001350651.2, NM_001407082.1); c.356_370del, p.Asp119_Arg123del (NM_001407069.1, NM_012222.3); and 3 more.
Identifiers: ClinVar variation 2696364 (VCV002696364.3), dbSNP rs2524245961, ClinGen allele CA2697552396.

ClinVar aggregate classification (germline): Uncertain significance (1 of 4 stars; one submission).

Conditions:
Familial adenomatous polyposis 2. Also called: COLORECTAL ADENOMATOUS POLYPOSIS, AUTOSOMAL RECESSIVE; ADENOMAS, MULTIPLE COLORECTAL, AUTOSOMAL RECESSIVE; FAP type 2; MUTYH Polyposis; MYH-associated polyposis; Adenomas, multiple colorectal. Identifiers: Orphanet 220460, Orphanet 247798, MedGen C3272841, MONDO:0012041, OMIM 608456.

Submission:

Labcorp Genetics (formerly Invitae), Labcorp
Classification: Uncertain significance for Familial adenomatous polyposis 2. Last evaluated: 2023-11-17. Review status: criteria provided, single submitter. Criteria: Invitae Variant Classification Sherloc (09022015). Collection method: clinical testing. Allele origin: germline.
Comment: This variant, c.365_379del, results in the deletion of 5 amino acid(s) of the MUTYH protein (p.Asp122_Arg126del), but otherwise preserves the integrity of the reading frame. This variant is not present in population databases (gnomAD no frequency). This variant has not been reported in the literature in individuals affected with MUTYH-related conditions. Experimental studies and prediction algorithms are not available or were not evaluated, and the functional significance of this variant is currently unknown. In summary, the available evidence is currently insufficient to determine the role of this variant in disease. Therefore, it has been classified as a Variant of Uncertain Significance.